The following is an entry in ClinVar:

NC_000008.10:g.(?_100286416)_(100821768_?)del

Gene: VPS13B (vacuolar protein sorting 13 homolog B; plus strand). Cytogenetic location: 8q22.2.
Variant type: Deletion.
Identifiers: ClinVar variation 2426382 (VCV002426382.4).

ClinVar aggregate classification (germline): Pathogenic (1 of 4 stars; one submission).

Conditions:
Cohen syndrome (COH1). Also called: Cutis verticis gyrata, retinitis pigmentosa, and sensorineural deafness; PEPPER SYNDROME. Identifiers: Orphanet 193, MedGen C0265223, MONDO:0008999, OMIM 216550.

Submission:

Labcorp Genetics (formerly Invitae), Labcorp
Classification: Pathogenic for Cohen syndrome. Last evaluated: 2022-05-19. Review status: criteria provided, single submitter. Criteria: Invitae Variant Classification Sherloc (09022015). Collection method: clinical testing. Allele origin: germline.
Comment: This variant is a gross deletion of the genomic region encompassing exon(s) 18-44 of the VPS13B gene. This deletion is out-of-frame, and is expected to create a premature termination codon and result in an absent or disrupted protein product. Loss-of-function variants in VPS13B are known to be pathogenic (PMID: 15141358, 16648375, 20461111). This variant has not been reported in the literature in individuals affected with VPS13B-related conditions. For these reasons, this variant has been classified as Pathogenic.

Literature cited by the submitters: PubMed 15141358; PubMed 16648375; PubMed 20461111.